The following is an entry in ClinVar:

ClinVar aggregate classification (germline): Likely pathogenic, low penetrance (1 of 4 stars; one submission).

Conditions:
Atypical hemolytic-uremic syndrome. Identifiers: Orphanet 2134, MedGen C2931788, MONDO:0016244.
Mesangiocapillary glomerulonephritis. Also called: Membranoproliferative glomerulonephritis. Identifiers: MedGen C0017662, MONDO:0002461, HP:0000793.

Submission:

Genomenon, Inc
Classification: Likely pathogenic, low penetrance for Primary membranoproliferative glomerulonephritis. Last evaluated: 2025-09-26. Review status: criteria provided, single submitter. Criteria: Genomenon Sequence Variant Interpretation Standards - Updated. Collection method: curation. Allele origin: germline. Affected: yes.
Comment: DGKE p.His164Tyr (c.490C>T) is a missense variant that changes the amino acid at residue 164 from Histidine to Tyrosine. This variant has been observed in at least one proband affected with a DGKE-related disorder (PMID:32666367). It is absent or not present at a significant frequency in gnomAD. In silico models agree that this variant is possibly or probably damaging. The presence of pathogenic missense variant(s) at the same amino acid position indicates that this residue is likely important for protein function. In conclusion, we classify DGKE p.His164Tyr (c.490C>T) as a likely pathogenic, low penetrance variant.

Literature cited by the submitters: PubMed 32666367.

NM_003647.3(DGKE):c.490C>T (p.His164Tyr)

Gene: DGKE (diacylglycerol kinase epsilon; plus strand). Cytogenetic location: 17q22.
Variant type: single nucleotide variant.
Coding change: c.490C>T on transcript NM_003647.3 (MANE Select); coding-DNA position 490, C replaced by T.
Protein change: p.His164Tyr; replaces histidine 164 with tyrosine.
Molecular consequence: missense variant.
Genome position (GRCh38, 1-based): chr17:56,844,044, C>T. VCF-style: chr17-56844044-C-T. GRCh37 (hg19) VCF-style: chr17-54921405-C-T.
Other names: short protein forms H164Y.
Identifiers: ClinVar variation 4280358 (VCV004280358.1).